The following is an entry in ClinVar:

ClinVar aggregate classification (germline): Benign/Likely benign. Review status: criteria provided, multiple submitters, no conflicts (2 of 4 stars). 13 submissions from 13 submitters: Benign (2); Likely benign (10). 1 of the submissions does not count toward it. Last evaluated 2026-01-30.

Conditions:
CDH1-related disorder. Also called: CDH1-related condition.
CDH1-related diffuse gastric and lobular breast cancer syndrome. Also called: CDH1-related diffuse gastric and lobular breast cancer. Identifiers: MedGen CN311521, MONDO:0100488.
Hereditary cancer-predisposing syndrome. Also called: Tumor predisposition; Hereditary neoplastic syndrome; Hereditary Cancer Syndrome; Neoplastic Syndromes, Hereditary. Identifiers: Orphanet 140162, MedGen C0027672, MeSH D009386, MONDO:0015356.
Hereditary diffuse gastric adenocarcinoma (HDGC). Also called: DIFFUSE GASTRIC AND LOBULAR BREAST CANCER SYNDROME. Identifiers: Orphanet 26106, MedGen C1708349, MONDO:0007648, OMIM 137215.

Allele frequency attached by ClinVar (database versions not stated): TOPMed 0.00002; gnomAD 0.00003; gnomAD exomes 0.00004; ExAC 0.00007.
gnomAD v4.1: 44 of 1,613,558 alleles (0.0027%); highest among the groups gnomAD compares: Non-Finnish European, 0.0035%; no homozygotes.

Submissions (13):

Labcorp Genetics (formerly Invitae), Labcorp
Classification: Likely benign for Hereditary diffuse gastric adenocarcinoma. Last evaluated: 2026-01-30. Review status: criteria provided, single submitter. Criteria: Invitae Variant Classification Sherloc (09022015). Collection method: clinical testing. Allele origin: germline.

Center for Genomic Medicine, Rigshospitalet, Copenhagen University Hospital
Classification: Likely benign. Last evaluated: 2025-03-04. Review status: criteria provided, single submitter. Criteria: ACMG Guidelines, 2015. Collection method: clinical testing. Allele origin: germline.

CeGaT Center for Human Genetics Tuebingen
Classification: Likely benign. Last evaluated: 2024-12-01. Review status: criteria provided, single submitter. Criteria: CeGaT Center For Human Genetics Tuebingen Variant Classification Criteria Version 2. Collection method: clinical testing. Allele origin: germline. Affected: yes. Observed: 1 variant allele.
Comment: CDH1: BP4, BP7

Blueprint Genetics
Classification: Likely benign. Last evaluated: 2024-09-24. Review status: criteria provided, single submitter. Criteria: ACMG Guidelines, 2015. Collection method: clinical testing. Allele origin: germline.

Myriad Genetics, Inc.
Classification: Benign for Hereditary diffuse gastric adenocarcinoma. Last evaluated: 2024-09-19. Review status: criteria provided, single submitter. Criteria: Myriad Autosomal Dominant, Autosomal Recessive and X-Linked Classification Criteria (2023). Collection method: clinical testing. Allele origin: unknown.
Comment: This variant is considered benign. This variant is a silent/synonymous amino acid change and it is not expected to impact splicing.

Department of Pathology and Laboratory Medicine, Sinai Health System
Classification: Likely benign for CDH1-related diffuse gastric and lobular breast cancer syndrome. Last evaluated: 2023-10-04. Review status: criteria provided, single submitter. Criteria: ACMG Guidelines, 2015. Collection method: clinical testing. Allele origin: germline. Affected: yes.

Women's Health and Genetics/Laboratory Corporation of America, LabCorp
Classification: Likely benign. Last evaluated: 2020-02-15. Review status: criteria provided, single submitter. Criteria: LabCorp Variant Classification Summary - May 2015. Collection method: clinical testing. Allele origin: germline.

Quest Diagnostics Nichols Institute San Juan Capistrano
Classification: Likely benign. Last evaluated: 2019-09-16. Review status: criteria provided, single submitter. Criteria: Quest Diagnostics criteria. Collection method: clinical testing. Allele origin: unknown.

Illumina Laboratory Services, Illumina
Classification: Likely benign for Hereditary diffuse gastric adenocarcinoma. Last evaluated: 2018-01-12. Review status: criteria provided, single submitter. Criteria: ICSL Variant Classification Criteria 13 December 2019. Collection method: clinical testing. Allele origin: germline.
Comment: This variant was observed in the ICSL laboratory as part of a predisposition screen in an ostensibly healthy population. It had not been previously curated by ICSL or reported in the Human Gene Mutation Database (HGMD: prior to June 1st, 2018), and was therefore a candidate for classification through an automated scoring system. Utilizing variant allele frequency, disease prevalence and penetrance estimates, and inheritance mode, an automated score was calculated to assess if this variant is too frequent to cause the disease. Based on the score and internal cut-off values, a variant classified as likely benign is not then subjected to further curation. The score for this variant resulted in a classification of likely benign for this disease.

Color Diagnostics, LLC DBA Color Health
Classification: Likely benign for Hereditary cancer-predisposing syndrome. Last evaluated: 2017-05-26. Review status: criteria provided, single submitter. Criteria: ACMG Guidelines, 2015. Collection method: clinical testing. Allele origin: germline.

GeneDx
Classification: Benign. Last evaluated: 2015-04-27. Review status: criteria provided, single submitter. Criteria: GeneDx Variant Classification (06012015). Collection method: clinical testing. Allele origin: germline. Affected: yes.
Comment: This variant is considered likely benign or benign based on one or more of the following criteria: it is a conservative change, it occurs at a poorly conserved position in the protein, it is predicted to be benign by multiple in silico algorithms, and/or has population frequency not consistent with disease.

Ambry Genetics
Classification: Likely benign for Hereditary cancer-predisposing syndrome. Last evaluated: 2015-01-20. Review status: criteria provided, single submitter. Criteria: Ambry Variant Classification Scheme 2023. Collection method: clinical testing. Allele origin: germline.

PreventionGenetics, part of Exact Sciences
Classification: Likely benign for CDH1-related condition. Last evaluated: 2019-10-07. Review status: no assertion criteria provided. Collection method: clinical testing. Allele origin: germline. Not counted in ClinVar's aggregate classification.
Comment: This variant is classified as likely benign based on ACMG/AMP sequence variant interpretation guidelines (Richards et al. 2015 PMID: 25741868, with internal and published modifications).

Literature cited by the submitters: PubMed 17224074 (cited by Quest Diagnostics Nichols Institute San Juan Capistrano).

NM_004360.5(CDH1):c.1689C>T (p.Ala563=)

Gene: CDH1 (cadherin 1; plus strand). Cytogenetic location: 16q22.1.
Variant type: single nucleotide variant.
Coding change: c.1689C>T on transcript NM_004360.5 (MANE Select); coding-DNA position 1689, C replaced by T.
Protein change: p.Ala563=; no amino-acid change (alanine 563 retained).
Molecular consequence: synonymous variant. On other transcripts: intron variant (1).
Genome position (GRCh38, 1-based): chr16:68,819,403, C>T. VCF-style: chr16-68819403-C-T. GRCh37 (hg19) VCF-style: chr16-68853306-C-T.
Other names: c.1689C>T (LRG_301t1); c.1506C>T, p.Ala502= (NM_001317184.2); c.141C>T, p.Ala47= (NM_001317185.2); c.-254-2598C>T (NM_001317186.2).
Identifiers: ClinVar variation 136061 (VCV000136061.42), dbSNP rs587780786, ClinGen allele CA186565.